The following is an entry in ClinVar:

ClinVar aggregate classification (germline): Conflicting classifications of pathogenicity. Review status: criteria provided, conflicting classifications (1 of 4 stars). 11 submissions from 10 submitters: Uncertain significance (8); Likely benign (2). 1 of the submissions does not count toward it. Last evaluated 2026-07-20.

Conditions:
Meckel-Gruber syndrome. Also called: DYSENCEPHALIA SPLANCHNOCYSTICA; GRUBER SYNDROME; Dysencephalia splachnocystica. Identifiers: Orphanet 564, MedGen C0265215, MONDO:0018921.
Joubert syndrome. Also called: Familial aplasia of the vermis; JOUBERT-BOLTSHAUSER SYNDROME. Identifiers: Orphanet 475, MedGen C5979921, MONDO:0018772.
Bardet-Biedl syndrome 13 (BBS13). Identifiers: Orphanet 110, MedGen C2673873, MONDO:0014441, OMIM 615990.
Joubert syndrome 28 (JBTS28). Identifiers: MedGen C4310705, MONDO:0014928, OMIM 617121.
Meckel syndrome, type 1 (MKS1). Also called: MECKEL-GRUBER SYNDROME, TYPE 1. Identifiers: Orphanet 564, MedGen C3714506, MONDO:0009571, OMIM 249000.
MKS1-related disorder. Also called: MKS1-related condition; MKS1-related disorders. Identifiers: MedGen CN239382.
Inborn genetic diseases. Identifiers: MedGen C0950123, MeSH D030342.

Allele frequency attached by ClinVar (database versions not stated): 1000 Genomes Project 30x 0.00016; 1000 Genomes Project 0.00020; ExAC 0.00035; gnomAD exomes 0.00035 and 0.00036; gnomAD 0.00041 and 0.00042; TOPMed 0.00046; ESP Exome Variant Server 0.00065.
gnomAD v4.1: 591 of 1,613,660 alleles (0.037%); highest among the groups gnomAD compares: Admixed American, 0.11%; 1 homozygote.

Submissions (11):

PreventionGenetics, part of Exact Sciences
Classification: Uncertain significance for MKS1-related condition. Last evaluated: 2026-07-20. Review status: criteria provided, single submitter. Criteria: ACMG Guidelines, 2015. Collection method: clinical testing. Allele origin: germline.
Comment: The MKS1 c.544G>A variant is predicted to result in the amino acid substitution p.Val182Ile. To our knowledge, this variant has not been reported in the literature in association with recessive MKS1-related disease. It was reported with de novo occurrence in an individual with hydrocephalus (Jin et al. 2020. PubMed ID: 33077954). However, this variant is also somewhat common in the general population, reported in 0.085% of alleles in individuals of Latino descent in gnomAD. Although we suspect this variant may be benign, at this time, the clinical significance is uncertain due to the absence of conclusive functional and genetic evidence.

Labcorp Genetics (formerly Invitae), Labcorp
Classification: Likely benign for Joubert syndrome; Meckel-Gruber syndrome. Last evaluated: 2026-01-25. Review status: criteria provided, single submitter. Criteria: Invitae Variant Classification Sherloc (09022015). Collection method: clinical testing. Allele origin: germline.

Blueprint Genetics
Classification: Likely benign. Last evaluated: 2024-11-11. Review status: criteria provided, single submitter. Criteria: ACMG Guidelines, 2015. Collection method: clinical testing. Allele origin: germline.

GeneDx
Classification: Uncertain significance. Last evaluated: 2022-09-12. Review status: criteria provided, single submitter. Criteria: GeneDx Variant Classification Process June 2021. Collection method: clinical testing. Allele origin: germline. Affected: yes.
Comment: In silico analysis supports that this missense variant does not alter protein structure/function; This variant is associated with the following publications: (PMID: 33077954)

Ambry Genetics
Classification: Uncertain significance for Inborn genetic diseases. Last evaluated: 2021-01-27. Review status: criteria provided, single submitter. Criteria: Ambry Variant Classification Scheme 2023. Collection method: clinical testing. Allele origin: germline.
Comment: The c.544G>A (p.V182I) alteration is located in exon 6 (coding exon 6) of the MKS1 gene. This alteration results from a G to A substitution at nucleotide position 544, causing the valine (V) at amino acid position 182 to be replaced by an isoleucine (I). The p.V182I alteration is predicted to be tolerated by in silico analysis. Based on insufficient or conflicting evidence, the clinical significance of this alteration remains unclear.

Fulgent Genetics
Classification: Uncertain significance for Meckel syndrome, type 1; Bardet-Biedl syndrome 13; Joubert syndrome 28. Last evaluated: 2018-10-31. Review status: criteria provided, single submitter. Criteria: ACMG Guidelines, 2015. Collection method: clinical testing. Allele origin: unknown.

Genetic Services Laboratory, University of Chicago
Classification: Uncertain significance. Last evaluated: 2018-04-10. Review status: criteria provided, single submitter. Criteria: ACMG Guidelines, 2015. Collection method: clinical testing. Allele origin: germline. Affected: no.

Eurofins Ntd Llc (ga)
Classification: Uncertain significance. Last evaluated: 2018-01-30. Review status: criteria provided, single submitter. Criteria: EGL Classification Definitions 2015. Collection method: clinical testing. Allele origin: germline. Observed: 10 variant alleles, 10 heterozygotes.

Illumina Laboratory Services, Illumina
Classification: Uncertain significance for Bardet-Biedl syndrome 13. Last evaluated: 2018-01-12. Review status: criteria provided, single submitter. Criteria: ICSL Variant Classification Criteria 13 December 2019. Collection method: clinical testing. Allele origin: germline.

Illumina Laboratory Services, Illumina
Classification: Uncertain significance for Meckel syndrome, type 1. Last evaluated: 2018-01-12. Review status: criteria provided, single submitter. Criteria: ICSL Variant Classification Criteria 13 December 2019. Collection method: clinical testing. Allele origin: germline.

Natera, Inc.
Classification: Uncertain significance for Meckel syndrome type 1. Last evaluated: 2020-09-16. Review status: no assertion criteria provided. Collection method: clinical testing. Allele origin: germline. Not counted in ClinVar's aggregate classification.

NM_017777.4(MKS1):c.544G>A (p.Val182Ile)

Gene: MKS1 (MKS transition zone complex subunit 1; minus strand). Cytogenetic location: 17q22.
Variant type: single nucleotide variant.
Coding change: c.544G>A on transcript NM_017777.4 (MANE Select); coding-DNA position 544, G replaced by A.
Protein change: p.Val182Ile; replaces valine 182 with isoleucine.
Molecular consequence: missense variant. On other transcripts: 5 prime UTR variant (1).
Genome position (GRCh38, 1-based): chr17:58,214,359, C>T on the plus strand (G>A on the coding strand, the complement: MKS1 is on the minus strand). VCF-style: chr17-58214359-C-T. GRCh37 (hg19) VCF-style: chr17-56291720-C-T.
Other names: c.-66G>A (NM_001321268.2); c.544G>A, p.Val182Ile (NM_001321269.2, NM_001330397.2); short protein forms V182I.
Identifiers: ClinVar variation 241188 (VCV000241188.33), dbSNP rs200185068, ClinGen allele CA8669471.
Genomic context (GRCh38, chr17:58,214,359, plus strand): 5'-GAAGAGGGGTGTTAATGACGTGGTTGTTCCTGACAAACTCTTCTGAGGGCTCCCAGGTGA[C>T]GATGCGTGACTTGAGGATGCCGCCCTCCCTGGGAGACACCACAGAAAGGTCACTTCCCTG-3'
Protein context (NP_060247.2, residues 172-192): MEGGILKSRI[Val182Ile]TWEPSEEFVR